The following is an entry in ClinVar:

ClinVar aggregate classification (germline): Pathogenic/Likely pathogenic. Review status: criteria provided, multiple submitters, no conflicts (2 of 4 stars). 8 submissions from 8 submitters: Pathogenic (1); Likely pathogenic (6). 1 of the submissions does not count toward it. Last evaluated 2025-12-16.

Conditions:
Salla disease (SD). Also called: Sialuria, Finnish type; N-acetylneuraminic acid (NANA) storage disease (NSD); Infantile sialic acid storage disorder (ISSD); Less Severe FSASD (Salla Disease). Identifiers: Orphanet 309334, Orphanet 834, MedGen C1096903, MONDO:0011449, OMIM 604369.
Sialic acid storage disease, severe infantile type (ISSD). Also called: N-ACETYLNEURAMINIC ACID STORAGE DISEASE; NANA STORAGE DISEASE; Infantile Sialic Acid Storage Disease; SIALURIA, INFANTILE FORM; Free sialic acid storage disease, infantile form; INFANTILE SIALIC ACID STORAGE DISORDER. Identifiers: Orphanet 309324, Orphanet 834, MedGen C1096902, MONDO:0010027, OMIM 269920.

Allele frequency attached by ClinVar (database versions not stated): TOPMed below 0.00001; gnomAD exomes 0.00001.

Submissions (8):

Victorian Clinical Genetics Services, Murdoch Childrens Research Institute
Classification: Pathogenic for Sialic acid storage disease, severe infantile type. Last evaluated: 2025-12-16. Review status: criteria provided, single submitter. Criteria: ACMG Guidelines, 2015. Collection method: clinical testing. Allele origin: germline. Affected: yes.
Comment: This variant is classified as Pathogenic. Evidence in support of pathogenic classification: Variant is predicted to result in an elongated protein; Variant is present in gnomAD <0.01 for a recessive condition (v4: 13 heterozygote(s), 0 homozygote(s)); This variant has strong previous evidence of pathogenicity in unrelated individuals. This variant has been classified as likely pathogenic and pathogenic by multiple clinical laboratories in ClinVar, and has been observed as compound heterozygous in a patient with infantile sialic acid storage disorder (PMID: 10947946); Clinically accredited laboratory assay specific to gene product shows abnormal protein function. This sample has been shown to have raised free sialic acid levels. Additional information: This variant is heterozygous; This gene is associated with autosomal recessive disease; Loss of function is a known mechanism of disease in this gene and is associated with salla disease (MIM#604369) and sialic acid storage disorder, infantile (MIM#269920); Heterozygous variant detected in trans with a LIKELY PATHOGENIC heterozygous variant (NM_012434.5(SLC17A5):c.1111G>A; p.(Gly371Arg)) in a recessive disease.

Natera, Inc.
Classification: Likely pathogenic for Salla disease. Last evaluated: 2025-07-16. Review status: criteria provided, single submitter. Criteria: Natera Variant Classification Schema (03/2026). Collection method: clinical testing. Allele origin: germline.
Comment: The c.1355_1356insAA variant in SLC17A5 is a frameshift variant predicted to elongate the protein beyond the termination codon. This variant is rare in the general population with a frequency below the threshold expected for the associated phenotype(s). This variant has been observed in one or more individuals affected with the associated recessive disease, as either homozygous or compound heterozygous with a second variant (PMID: 10947946). Given the available evidence, this variant is classified as Likely Pathogenic.

Labcorp Genetics (formerly Invitae), Labcorp
Classification: Likely pathogenic for Salla disease. Last evaluated: 2025-05-16. Review status: criteria provided, single submitter. Criteria: Invitae Variant Classification Sherloc (09022015). Collection method: clinical testing. Allele origin: germline.
Comment: This sequence change is expected to alter the c-terminus of the SLC17A5 protein (p.Val453Metfs*50). While this is not anticipated to result in nonsense mediated decay, it is expected to disrupt the last 43 amino acid(s) of the SLC17A5 protein and extend the protein by 6 additional amino acid residues. This variant is present in population databases (no rsID available, gnomAD 0.0009%). This frameshift has been observed in individual(s) with sialic acid storage disorder (PMID: 10947946). ClinVar contains an entry for this variant (Variation ID: 558174). In summary, the currently available evidence indicates that the variant is pathogenic, but additional data are needed to prove that conclusively. Therefore, this variant has been classified as Likely Pathogenic.

Fulgent Genetics
Classification: Likely pathogenic for Sialic acid storage disease, severe infantile type; Salla disease. Last evaluated: 2024-04-20. Review status: criteria provided, single submitter. Criteria: ACMG Guidelines, 2015. Collection method: clinical testing. Allele origin: germline.

Baylor Genetics
Classification: Likely pathogenic for Salla disease. Last evaluated: 2023-07-05. Review status: criteria provided, single submitter. Criteria: ACMG Guidelines, 2015. Collection method: clinical testing. Allele origin: unknown.

Genome-Nilou Lab
Classification: Likely pathogenic for Salla disease. Last evaluated: 2021-09-05. Review status: criteria provided, single submitter. Criteria: ACMG Guidelines, 2015. Collection method: clinical testing. Allele origin: germline. Affected: no.

Women's Health and Genetics/Laboratory Corporation of America, LabCorp
Classification: Likely pathogenic for Salla disease. Last evaluated: 2020-05-15. Review status: criteria provided, single submitter. Criteria: LabCorp Variant Classification Summary - May 2015. Collection method: clinical testing. Allele origin: germline.
Comment: Variant summary: SLC17A5 c.1355_1356insAA (p.Val453MetfsX50) causes a frameshift which results in an extension of the protein. The variant allele was found at a frequency of 8e-06 in 250158 control chromosomes (gnomAD). c.1355_1356insAA has been reported in the literature in one individual affected with Infantile Sialic Acid Storage Disorder (Aula_2000). These data indicate that the variant is very likely to be associated with disease. One ClinVar submitter (evaluation after 2014) cites the variant as uncertain significance. Based on the evidence outlined above, the variant was classified as likely pathogenic.

Counsyl
Classification: Uncertain significance for Salla disease. Last evaluated: 2018-05-03. Review status: no assertion criteria provided. Collection method: clinical testing. Allele origin: unknown. Not counted in ClinVar's aggregate classification.

Literature cited by the submitters: PubMed 10947946 (cited by 5 submitters).

NM_012434.5(SLC17A5):c.1355_1356insAA (p.Val453fs)

Gene: SLC17A5 (solute carrier family 17 member 5; minus strand). Cytogenetic location: 6q13.
Variant type: Insertion.
Coding change: c.1355_1356insAA on transcript NM_012434.5 (MANE Select); coding-DNA positions 1355 to 1356, AA inserted.
Protein change: p.Val453fs; shifts the reading frame from valine 453.
Molecular consequence: frameshift variant.
Genome position: GRCh38 VCF-style: chr6-73595209-A-ATT. GRCh37 (hg19) VCF-style: chr6-74304932-A-ATT.
Other names: short protein forms V453fs.
Identifiers: ClinVar variation 558174 (VCV000558174.21), dbSNP rs1234745577, ClinGen allele CA567700413.